The following is an entry in ClinVar:

ClinVar aggregate classification (germline): Uncertain significance. Review status: criteria provided, multiple submitters, no conflicts (2 of 4 stars). 3 submissions from 3 submitters: Uncertain significance (3). Last evaluated 2025-08-12.

Conditions:
Inborn genetic diseases. Identifiers: MedGen C0950123, MeSH D030342.
Leber congenital amaurosis 3 (LCA3). Also called: SPATA7-Related Retinitis Pigmentosa. Identifiers: MedGen C1858677, MONDO:0011415, OMIM 604232.

Allele frequency attached by ClinVar (database versions not stated): ExAC 0.00020.
gnomAD v4.1: 95 of 1,608,000 alleles (0.0059%); highest among the groups gnomAD compares: Middle Eastern, 0.033%; 1 homozygote.

Submissions (3):

Ambry Genetics
Classification: Uncertain significance for Inborn genetic diseases. Last evaluated: 2025-08-12. Review status: criteria provided, single submitter. Criteria: Ambry Variant Classification Scheme 2023. Collection method: clinical testing. Allele origin: germline.

Blueprint Genetics
Classification: Uncertain significance. Last evaluated: 2024-08-13. Review status: criteria provided, single submitter. Criteria: ACMG Guidelines, 2015. Collection method: clinical testing. Allele origin: germline.

Labcorp Genetics (formerly Invitae), Labcorp
Classification: Uncertain significance for Leber congenital amaurosis 3. Last evaluated: 2022-08-10. Review status: criteria provided, single submitter. Criteria: Invitae Variant Classification Sherloc (09022015). Collection method: clinical testing. Allele origin: germline.
Comment: This sequence change replaces aspartic acid, which is acidic and polar, with histidine, which is basic and polar, at codon 418 of the SPATA7 protein (p.Asp418His). This variant is present in population databases (rs776178227, gnomAD 0.02%), including at least one homozygous and/or hemizygous individual. This variant has not been reported in the literature in individuals affected with SPATA7-related conditions. ClinVar contains an entry for this variant (Variation ID: 1493117). Algorithms developed to predict the effect of missense changes on protein structure and function (SIFT, PolyPhen-2, Align-GVGD) all suggest that this variant is likely to be disruptive. In summary, the available evidence is currently insufficient to determine the role of this variant in disease. Therefore, it has been classified as a Variant of Uncertain Significance.

NM_018418.5(SPATA7):c.1252G>C (p.Asp418His)

Gene: SPATA7 (spermatogenesis associated 7; plus strand). Cytogenetic location: 14q31.3.
Variant type: single nucleotide variant.
Coding change: c.1252G>C on transcript NM_018418.5 (MANE Select); coding-DNA position 1252, G replaced by C.
Protein change: p.Asp418His; replaces aspartic acid 418 with histidine.
Molecular consequence: missense variant.
Genome position (GRCh38, 1-based): chr14:88,437,874, G>C. VCF-style: chr14-88437874-G-C. GRCh37 (hg19) VCF-style: chr14-88904218-G-C.
Other names: c.1252G>C (NM_018418.4); c.1156G>C, p.Asp386His (NM_001040428.4); short protein forms D386H, D418H.
Identifiers: ClinVar variation 1493117 (VCV001493117.5), dbSNP rs776178227, ClinGen allele CA7298785.